The following is an entry in ClinVar:

ClinVar aggregate classification (germline): Uncertain significance. Review status: criteria provided, multiple submitters, no conflicts (2 of 4 stars). 5 submissions from 5 submitters: Uncertain significance (5). Last evaluated 2026-01-11.

Conditions:
Carney-Stratakis syndrome. Also called: PARAGANGLIOMA AND GASTROINTESTINAL STROMAL TUMOR. Identifiers: Orphanet 97286, MedGen C1847319, MONDO:0011740, OMIM 606864.
Paragangliomas with sensorineural hearing loss. Identifiers: MedGen C1868633.
Cowden syndrome 3 (CWS3). Identifiers: Orphanet 201, MedGen CN166604, MONDO:0014045.
Pheochromocytoma. Also called: MAX-Related Hereditary Paraganglioma-Pheochromocytoma Syndrome. Identifiers: Orphanet 29072, MedGen C0031511, MONDO:0008233, OMIM 171300, HP:0002666.
Pheochromocytoma/paraganglioma syndrome 1. Also called: PARAGANGLIOMATA; Paragangliomas 1; Glomus tumors familial 1; PARAGANGLIOMAS, FAMILIAL NONCHROMAFFIN, 1; PGL 1; Paragangliomas familial 1. Identifiers: Orphanet 29072, MedGen C3494181, MONDO:0008192, OMIM 168000.
Mitochondrial complex II deficiency, nuclear type 1. Also called: SUCCINATE CoQ REDUCTASE DEFICIENCY. Identifiers: Orphanet 3208, MedGen C5700310, MONDO:0100294, OMIM 252011.
Hereditary cancer-predisposing syndrome. Also called: Neoplastic Syndromes, Hereditary; Hereditary Cancer Syndrome; Tumor predisposition; Hereditary neoplastic syndrome. Identifiers: Orphanet 140162, MedGen C0027672, MeSH D009386, MONDO:0015356.
Hereditary pheochromocytoma and paraganglioma. Also called: Hereditary Paraganglioma-Pheochromocytoma Syndromes; Hereditary paragangliomas and pheochromocytomas; Hereditary pheochromocytoma-paraganglioma. Identifiers: Orphanet 29072, MedGen C4274332, MONDO:0017366.

Allele frequency attached by ClinVar (database versions not stated): gnomAD exomes below 0.00001; TOPMed below 0.00001; gnomAD 0.00001.

Submissions (5):

Labcorp Genetics (formerly Invitae), Labcorp
Classification: Uncertain significance for Carney-Stratakis syndrome; Paragangliomas with sensorineural hearing loss; Pheochromocytoma; Cowden syndrome 3. Last evaluated: 2026-01-11. Review status: criteria provided, single submitter. Criteria: Invitae Variant Classification Sherloc (09022015). Collection method: clinical testing. Allele origin: germline.
Comment: This sequence change replaces tyrosine, which is neutral and polar, with histidine, which is basic and polar, at codon 141 of the SDHD protein (p.Tyr141His). This variant is present in population databases (no rsID available, gnomAD 0.0009%). This variant has not been reported in the literature in individuals affected with SDHD-related conditions. ClinVar contains an entry for this variant (Variation ID: 578342). Invitae Evidence Modeling of protein sequence and biophysical properties (such as structural, functional, and spatial information, amino acid conservation, physicochemical variation, residue mobility, and thermodynamic stability) indicates that this missense variant is expected to disrupt SDHD protein function with a positive predictive value of 95%. In summary, the available evidence is currently insufficient to determine the role of this variant in disease. Therefore, it has been classified as a Variant of Uncertain Significance.

Ambry Genetics
Classification: Uncertain significance for Hereditary cancer-predisposing syndrome. Last evaluated: 2025-04-11. Review status: criteria provided, single submitter. Criteria: Ambry Variant Classification Scheme 2023. Collection method: clinical testing. Allele origin: germline.
Comment: The p.Y141H variant (also known as c.421T>C), located in coding exon 4 of the SDHD gene, results from a T to C substitution at nucleotide position 421. The tyrosine at codon 141 is replaced by histidine, an amino acid with similar properties. This amino acid position is conserved. In addition, this alteration is predicted to be deleterious by in silico analysis. Since supporting evidence is limited at this time, the clinical significance of this alteration remains unclear.

Quest Diagnostics Nichols Institute San Juan Capistrano
Classification: Uncertain significance. Last evaluated: 2023-10-27. Review status: criteria provided, single submitter. Criteria: Quest Diagnostics criteria. Collection method: clinical testing. Allele origin: unknown.
Comment: The SDHD c.421T>C (p.Tyr141His) variant has not been reported in individuals with SDHD-related conditions in the published literature. The frequency of this variant in the general population, 0.000004 (1/248750 chromosomes (Genome Aggregation Database)), is uninformative in the assessment of its pathogenicity. Analysis of this variant using bioinformatics tools for the prediction of the effect of amino acid changes on protein structure and function yielded predictions that this variant is damaging. Based on the available information, we are unable to determine the clinical significance of this variant.

All of Us Research Program, National Institutes of Health
Classification: Uncertain significance for Hereditary pheochromocytoma and paraganglioma. Last evaluated: 2023-08-15. Review status: criteria provided, single submitter. Criteria: ACMG Guidelines, 2015. Collection method: clinical testing. Allele origin: germline. Inheritance: Autosomal dominant inheritance. Observed: 1 variant allele, 1 heterozygote.
Comment: This study involves interpretation of variants in research participants for the purpose of population health screening. Participant phenotype was not available at the time of variant classification. Additional details can be found in publication PMID: 35346344, PMCID: PMC8962531

Fulgent Genetics
Classification: Uncertain significance for Pheochromocytoma/paraganglioma syndrome 1; Pheochromocytoma; Mitochondrial complex II deficiency, nuclear type 1; Carney-Stratakis syndrome. Last evaluated: 2018-10-31. Review status: criteria provided, single submitter. Criteria: ACMG Guidelines, 2015. Collection method: clinical testing. Allele origin: unknown.

NM_003002.4(SDHD):c.421T>C (p.Tyr141His)

Gene: SDHD (succinate dehydrogenase complex subunit D; plus strand). Cytogenetic location: 11q23.1.
Variant type: single nucleotide variant.
Coding change: c.421T>C on transcript NM_003002.4 (MANE Select); coding-DNA position 421, T replaced by C.
Protein change: p.Tyr141His; replaces tyrosine 141 with histidine.
Molecular consequence: missense variant. On other transcripts: 3 prime UTR variant (2), non-coding transcript variant (1).
Genome position (GRCh38, 1-based): chr11:112,094,911, T>C. VCF-style: chr11-112094911-T-C. GRCh37 (hg19) VCF-style: chr11-111965635-T-C.
Other names: c.*18T>C (NM_001276503.2); c.304T>C, p.Tyr102His (NM_001276504.2); c.*119T>C (NM_001276506.2); c.421T>C (NM_003002.2); short protein forms Y141H, Y102H.
Identifiers: ClinVar variation 578342 (VCV000578342.18), dbSNP rs1394514096, ClinGen allele CA382619325.
Genomic context (GRCh38, chr11:112,094,911, plus strand): 5'-CAGAAAGCTGCCAAGGCAGGGCTTTTGGCACTTTCAGCTTTAACCTTTGCTGGGCTTTGC[T>C]ATTTCAACTATCACGATGTGGGCATCTGCAAAGCTGTTGCCATGCTGTGGAAGCTCTGAC-3'
Protein context (NP_002993.1, residues 131-151): LSALTFAGLC[Tyr141His]FNYHDVGICK